The following is an entry in ClinVar:

ClinVar aggregate classification (germline): Likely benign. Review status: criteria provided, multiple submitters, no conflicts (2 of 4 stars). 5 submissions from 5 submitters: Likely benign (4). 1 of the submissions does not count toward it. Last evaluated 2026-01-25.

Conditions:
Muscular dystrophy-dystroglycanopathy type B6 (MDDGB6). Also called: MUSCULAR DYSTROPHY-DYSTROGLYCANOPATHY (CONGENITAL WITH IMPAIRED INTELLECTUAL DEVELOPMENT), TYPE B, 6; MUSCULAR DYSTROPHY, CONGENITAL, LARGE-RELATED; MUSCULAR DYSTROPHY, CONGENITAL, TYPE 1D. Identifiers: MedGen C1837229, MONDO:0012138, OMIM 608840.
LARGE1-related disorder. Also called: LARGE1-related condition.

Allele frequency attached by ClinVar (database versions not stated): TOPMed 0.00008; gnomAD 0.00010; ESP Exome Variant Server 0.00015.

Submissions (5):

Labcorp Genetics (formerly Invitae), Labcorp
Classification: Likely benign for Muscular dystrophy-dystroglycanopathy type B6. Last evaluated: 2026-01-25. Review status: criteria provided, single submitter. Criteria: Invitae Variant Classification Sherloc (09022015). Collection method: clinical testing. Allele origin: germline.

Blueprint Genetics
Classification: Likely benign. Last evaluated: 2023-06-29. Review status: criteria provided, single submitter. Criteria: ACMG Guidelines, 2015. Collection method: clinical testing. Allele origin: germline.

CeGaT Center for Human Genetics Tuebingen
Classification: Likely benign. Last evaluated: 2022-10-01. Review status: criteria provided, single submitter. Criteria: CeGaT Center For Human Genetics Tuebingen Variant Classification Criteria Version 2. Collection method: clinical testing. Allele origin: germline. Affected: yes. Observed: 1 variant allele.
Comment: LARGE1: BP4, BP7

GeneDx
Classification: Likely benign. Last evaluated: 2017-08-18. Review status: criteria provided, single submitter. Criteria: GeneDx Variant Classification (06012015). Collection method: clinical testing. Allele origin: germline. Affected: yes.
Comment: This variant is considered likely benign or benign based on one or more of the following criteria: it is a conservative change, it occurs at a poorly conserved position in the protein, it is predicted to be benign by multiple in silico algorithms, and/or has population frequency not consistent with disease.

PreventionGenetics, part of Exact Sciences
Classification: Likely benign for LARGE1-related condition. Last evaluated: 2019-03-25. Review status: no assertion criteria provided. Collection method: clinical testing. Allele origin: germline. Not counted in ClinVar's aggregate classification.
Comment: This variant is classified as likely benign based on ACMG/AMP sequence variant interpretation guidelines (Richards et al. 2015 PMID: 25741868, with internal and published modifications).

NM_133642.5(LARGE1):c.1791C>T (p.Phe597=)

Gene: LARGE1 (LARGE xylosyl- and glucuronyltransferase 1; minus strand). Cytogenetic location: 22q12.3.
Variant type: single nucleotide variant.
Coding change: c.1791C>T on transcript NM_133642.5 (MANE Select); coding-DNA position 1791, C replaced by T.
Protein change: p.Phe597=; no amino-acid change (phenylalanine 597 retained).
Molecular consequence: synonymous variant. On other transcripts: intron variant (3).
Genome position (GRCh38, 1-based): chr22:33,283,288, G>A on the plus strand (C>T on the coding strand, the complement: LARGE1 is on the minus strand). VCF-style: chr22-33283288-G-A. GRCh37 (hg19) VCF-style: chr22-33679274-G-A.
Other names: c.1791C>T, p.Phe597= (NM_001362949.2, NM_001362951.2, NM_001362953.2 and 4 more transcripts); c.1635C>T, p.Phe545= (NM_001378629.1); c.1188C>T, p.Phe396= (NM_001378630.1); c.1731-6033C>T (NM_001378627.1, NM_001378628.1); c.972-6033C>T (NM_001378631.1); c.1791C>T (NM_004737.5).
Identifiers: ClinVar variation 384484 (VCV000384484.34), dbSNP rs369773678, ClinGen allele CA10202645.